The following is an entry in ClinVar:

ClinVar aggregate classification (germline): Conflicting classifications of pathogenicity. Review status: criteria provided, conflicting classifications (1 of 4 stars). 3 submissions from 3 submitters: Likely pathogenic (1); Uncertain significance (2). Last evaluated 2025-06-01.

Conditions:
Developmental and epileptic encephalopathy, 9 (DEE9). Also called: Early infantile epileptic encephalopathy 9; EPILEPSY, FEMALE-RESTRICTED, WITH MENTAL RETARDATION; JUBERG-HELLMAN SYNDROME; PCDH19-Related X-Linked Female-Limited Epilepsy with Mental Retardation. Identifiers: Orphanet 101039, Orphanet 2076, MedGen C1848137, MONDO:0010246, OMIM 300088. Disease mechanism: loss of function.

Allele frequency attached by ClinVar (database versions not stated): ExAC 0.00001; gnomAD exomes 0.00001.

Submissions (3):

Labcorp Genetics (formerly Invitae), Labcorp
Classification: Likely pathogenic for Developmental and epileptic encephalopathy, 9. Last evaluated: 2025-06-01. Review status: criteria provided, single submitter. Criteria: Invitae Variant Classification Sherloc (09022015). Collection method: clinical testing. Allele origin: germline.
Comment: This sequence change replaces asparagine, which is neutral and polar, with serine, which is neutral and polar, at codon 270 of the PCDH19 protein (p.Asn270Ser). This variant is present in population databases (rs772171727, gnomAD 0.008%). This variant has not been reported in the literature in individuals affected with PCDH19-related conditions. ClinVar contains an entry for this variant (Variation ID: 1036331). Invitae Evidence Modeling of protein sequence and biophysical properties (such as structural, functional, and spatial information, amino acid conservation, physicochemical variation, residue mobility, and thermodynamic stability) indicates that this missense variant is expected to disrupt PCDH19 protein function with a positive predictive value of 95%. This variant disrupts the p.Asn270 amino acid residue in PCDH19. Other variant(s) that disrupt this residue have been determined to be pathogenic (internal data). This suggests that this residue is clinically significant, and that variants that disrupt this residue are likely to be disease-causing. In summary, the currently available evidence indicates that the variant is pathogenic, but additional data are needed to prove that conclusively. Therefore, this variant has been classified as Likely Pathogenic.

Genomic Medicine Center of Excellence, King Faisal Specialist Hospital and Research Centre
Classification: Uncertain significance for Developmental and epileptic encephalopathy, 9. Last evaluated: 2024-09-22. Review status: criteria provided, single submitter. Criteria: ACMG Guidelines, 2015. Collection method: clinical testing. Allele origin: germline.

GeneDx
Classification: Uncertain significance. Last evaluated: 2024-01-28. Review status: criteria provided, single submitter. Criteria: GeneDx Variant Classification Process June 2021. Collection method: clinical testing. Allele origin: germline. Affected: yes.
Comment: In silico analysis supports that this missense variant has a deleterious effect on protein structure/function; Missense variants in this gene are a common cause of disease and they are underrepresented in the general population; Has not been previously published as pathogenic or benign to our knowledge

NM_001184880.2(PCDH19):c.809A>G (p.Asn270Ser)

Gene: PCDH19 (protocadherin 19; minus strand). Cytogenetic location: Xq22.1.
Variant type: single nucleotide variant.
Coding change: c.809A>G on transcript NM_001184880.2 (MANE Select); coding-DNA position 809, A replaced by G.
Protein change: p.Asn270Ser; replaces asparagine 270 with serine.
Molecular consequence: missense variant.
Genome position (GRCh38, 1-based): chrX:100,407,789, T>C on the plus strand (A>G on the coding strand, the complement: PCDH19 is on the minus strand). VCF-style: chrX-100407789-T-C. GRCh37 (hg19) VCF-style: chrX-99662787-T-C.
Other names: c.809A>G, p.Asn270Ser (NM_001105243.2, NM_020766.3); c.809A>G (NM_001184880.1); short protein forms N270S.
Identifiers: ClinVar variation 1036331 (VCV001036331.11), dbSNP rs772171727, ClinGen allele CA10468949.